The following is an entry in ClinVar:

ClinVar aggregate classification (germline): Benign/Likely benign. Review status: criteria provided, multiple submitters, no conflicts (2 of 4 stars). 8 submissions from 8 submitters: Benign (3); Likely benign (4). 1 of the submissions does not count toward it. Last evaluated 2026-06-01.

Conditions:
Emery-Dreifuss muscular dystrophy 5, autosomal dominant (EDMD5). Also called: EMERY-DREIFUSS MUSCULAR DYSTROPHY 5. Identifiers: Orphanet 261, MedGen C2751805, MONDO:0013072, OMIM 612999.

Allele frequency attached by ClinVar (database versions not stated): gnomAD 0.00025; ESP Exome Variant Server 0.00046; TOPMed 0.00061; 1000 Genomes Project 30x 0.00078; 1000 Genomes Project 0.00100; ExAC 0.00112.
gnomAD v4.1: 852 of 1,614,208 alleles (0.053%); highest among the groups gnomAD compares: Admixed American, 0.23%; 3 homozygotes.

Submissions (8):

CeGaT Center for Human Genetics Tuebingen
Classification: Benign. Last evaluated: 2026-06-01. Review status: criteria provided, single submitter. Criteria: CeGaT Center For Human Genetics Tuebingen Variant Classification Criteria Version 2. Collection method: clinical testing. Allele origin: germline. Affected: yes. Observed: 3 variant alleles.
Comment: SYNE2: BS1, BS2

Labcorp Genetics (formerly Invitae), Labcorp
Classification: Likely benign for Emery-Dreifuss muscular dystrophy 5, autosomal dominant. Last evaluated: 2026-01-21. Review status: criteria provided, single submitter. Criteria: Invitae Variant Classification Sherloc (09022015). Collection method: clinical testing. Allele origin: germline.

Blueprint Genetics
Classification: Likely benign. Last evaluated: 2024-11-14. Review status: criteria provided, single submitter. Criteria: ACMG Guidelines, 2015. Collection method: clinical testing. Allele origin: germline.

Illumina Laboratory Services, Illumina
Classification: Benign for Emery-Dreifuss muscular dystrophy 5, autosomal dominant. Last evaluated: 2018-01-13. Review status: criteria provided, single submitter. Criteria: ICSL Variant Classification Criteria 13 December 2019. Collection method: clinical testing. Allele origin: germline.
Comment: This variant was observed in the ICSL laboratory as part of a predisposition screen in an ostensibly healthy population. It had not been previously curated by ICSL or reported in the Human Gene Mutation Database (HGMD: prior to June 1st, 2018), and was therefore a candidate for classification through an automated scoring system. Utilizing variant allele frequency, disease prevalence and penetrance estimates, and inheritance mode, an automated score was calculated to assess if this variant is too frequent to cause the disease. Based on the score and internal cut-off values, a variant classified as benign is not then subjected to further curation. The score for this variant resulted in a classification of benign for this disease.

Genome Diagnostics Laboratory, University Medical Center Utrecht
Classification: Benign for Emery-Dreifuss muscular dystrophy 5, autosomal dominant. Last evaluated: 2016-05-03. Review status: criteria provided, single submitter. Criteria: ACGS Guidelines, 2013. Collection method: clinical testing. Allele origin: germline. Affected: yes. Study: VKGL Data-share Consensus.

Eurofins Ntd Llc (ga)
Classification: Likely benign. Last evaluated: 2016-01-19. Review status: criteria provided, single submitter. Criteria: EGL Classification Definitions 2015. Collection method: clinical testing. Allele origin: germline. Observed: 1 variant allele, 1 heterozygote.

Breakthrough Genomics
Classification: Likely benign. Review status: criteria provided, single submitter. Criteria: ACMG Guidelines, 2015. Collection method: not provided. Allele origin: germline. Inheritance: Autosomal dominant inheritance. Affected: yes.

Clinical Genetics, Academic Medical Center
Classification: Likely benign. Review status: no assertion criteria provided. Collection method: clinical testing. Allele origin: germline. Affected: yes. Study: VKGL Data-share Consensus. Not counted in ClinVar's aggregate classification.

NM_182914.3(SYNE2):c.16178C>T (p.Ala5393Val)

Gene: SYNE2 (spectrin repeat containing nuclear envelope protein 2; plus strand). Cytogenetic location: 14q23.2.
Variant type: single nucleotide variant.
Coding change: c.16178C>T on transcript NM_182914.3 (MANE Select); coding-DNA position 16178, C replaced by T.
Protein change: p.Ala5393Val; replaces alanine 5393 with valine.
Molecular consequence: missense variant.
Genome position (GRCh38, 1-based): chr14:64,162,155, C>T. VCF-style: chr14-64162155-C-T. GRCh37 (hg19) VCF-style: chr14-64628873-C-T.
Other names: c.16178C>T, p.Ala5393Val (NM_015180.6); short protein forms A5393V.
Identifiers: ClinVar variation 285828 (VCV000285828.49), dbSNP rs147173048, ClinGen allele CA7223292.